The following is an entry in ClinVar:

ClinVar aggregate classification (germline): Uncertain significance (1 of 4 stars; one submission).

Conditions:
Tatton-Brown-Rahman overgrowth syndrome. Also called: Tatton-Brown-Rahman syndrome; Tall stature-intellectual disability-facial dysmorphism syndrome. Identifiers: Orphanet 404443, MedGen C4014545, MONDO:0014382, OMIM 615879.

gnomAD v4.1: 5 of 1,613,330 alleles (0.00031%); highest among the groups gnomAD compares: African/African-American, 0.0013%; no homozygotes.

Submission:

Labcorp Genetics (formerly Invitae), Labcorp
Classification: Uncertain significance for Tatton-Brown-Rahman overgrowth syndrome. Last evaluated: 2025-09-21. Review status: criteria provided, single submitter. Criteria: Invitae Variant Classification Sherloc (09022015). Collection method: clinical testing. Allele origin: germline.
Comment: This sequence change replaces arginine, which is basic and polar, with histidine, which is basic and polar, at codon 379 of the DNMT3A protein (p.Arg379His). The frequency data for this variant in the population databases is considered unreliable, as metrics indicate poor data quality at this position in the gnomAD database. This variant has not been reported in the literature in individuals affected with DNMT3A-related conditions. Invitae Evidence Modeling of protein sequence and biophysical properties (such as structural, functional, and spatial information, amino acid conservation, physicochemical variation, residue mobility, and thermodynamic stability) indicates that this missense variant is expected to disrupt DNMT3A protein function with a positive predictive value of 95%. In summary, the available evidence is currently insufficient to determine the role of this variant in disease. Therefore, it has been classified as a Variant of Uncertain Significance.

NM_022552.5(DNMT3A):c.1136G>A (p.Arg379His)

Gene: DNMT3A (DNA methyltransferase 3 alpha; minus strand). Cytogenetic location: 2p23.3.
Variant type: single nucleotide variant.
Coding change: c.1136G>A on transcript NM_022552.5 (MANE Select); coding-DNA position 1136, G replaced by A.
Protein change: p.Arg379His; replaces arginine 379 with histidine.
Molecular consequence: missense variant. On other transcripts: non-coding transcript variant (1).
Genome position (GRCh38, 1-based): chr2:25,246,763, C>T on the plus strand (G>A on the coding strand, the complement: DNMT3A is on the minus strand). VCF-style: chr2-25246763-C-T. GRCh37 (hg19) VCF-style: chr2-25469632-C-T.
Other names: c.1136G>A, p.Arg379His (NM_175629.2); c.680G>A, p.Arg227His (NM_001320893.1); c.467G>A, p.Arg156His (NM_001375819.1); c.569G>A, p.Arg190His (NM_153759.3); short protein forms R156H, R227H, R379H, R190H.
Identifiers: ClinVar variation 4740856 (VCV004740856.1).